The following is an entry in ClinVar:

ClinVar aggregate classification (germline): Conflicting classifications of pathogenicity. Review status: criteria provided, conflicting classifications (1 of 4 stars). 11 submissions from 10 submitters: Uncertain significance (7); Likely benign (2). 2 of the submissions do not count toward it. Last evaluated 2026-02-01.

Conditions:
CDH23-related disorder. Also called: CDH23-related condition; CDH23-related disorders.
Usher syndrome type 1D (USH1D). Also called: USHER SYNDROME, TYPE ID. Identifiers: Orphanet 231169, Orphanet 886, MedGen C1832845, MONDO:0010984, OMIM 601067.
Autosomal recessive nonsyndromic hearing loss 12. Also called: DEAFNESS, AUTOSOMAL RECESSIVE 12. Identifiers: Orphanet 90636, MedGen C1832394, MONDO:0011067, OMIM 601386.
Pituitary adenoma 5, multiple types. Identifiers: MedGen C4539685, MONDO:0054601, OMIM 617540.
Usher syndrome type 1 (USH1). Also called: RETINITIS PIGMENTOSA AND CONGENITAL DEAFNESS. Identifiers: Orphanet 231169, Orphanet 886, MedGen C1568247, MONDO:0010168, OMIM 276900.

Allele frequency attached by ClinVar (database versions not stated): ESP Exome Variant Server 0.00016; ExAC 0.00019; 1000 Genomes Project 0.00020; gnomAD exomes 0.00020 and 0.00033; TOPMed 0.00035; 1000 Genomes Project 30x 0.00062.
gnomAD v4.1: 514 of 1,613,206 alleles (0.032%); highest among the groups gnomAD compares: Middle Eastern, 0.066%; 2 homozygotes.

Submissions (11):

CeGaT Center for Human Genetics Tuebingen
Classification: Likely benign. Last evaluated: 2026-02-01. Review status: criteria provided, single submitter. Criteria: CeGaT Center For Human Genetics Tuebingen Variant Classification Criteria Version 2. Collection method: clinical testing. Allele origin: germline. Affected: yes. Observed: 3 variant alleles.
Comment: CDH23: BP4

Labcorp Genetics (formerly Invitae), Labcorp
Classification: Uncertain significance. Last evaluated: 2025-01-06. Review status: criteria provided, single submitter. Criteria: Invitae Variant Classification Sherloc (09022015). Collection method: clinical testing. Allele origin: germline.
Comment: This sequence change replaces alanine, which is neutral and non-polar, with valine, which is neutral and non-polar, at codon 1464 of the CDH23 protein (p.Ala1464Val). This variant is present in population databases (rs374362883, gnomAD 0.03%). This missense change has been observed in individual(s) with non-syndromic hearing loss (PMID: 23804846). ClinVar contains an entry for this variant (Variation ID: 45947). Invitae Evidence Modeling of protein sequence and biophysical properties (such as structural, functional, and spatial information, amino acid conservation, physicochemical variation, residue mobility, and thermodynamic stability) has been performed for this missense variant. However, the output from this modeling did not meet the statistical confidence thresholds required to predict the impact of this variant on CDH23 protein function. In summary, the available evidence is currently insufficient to determine the role of this variant in disease. Therefore, it has been classified as a Variant of Uncertain Significance.

Blueprint Genetics
Classification: Uncertain significance. Last evaluated: 2024-10-04. Review status: criteria provided, single submitter. Criteria: ACMG Guidelines, 2015. Collection method: clinical testing. Allele origin: germline.

Women's Health and Genetics/Laboratory Corporation of America, LabCorp
Classification: Uncertain significance. Last evaluated: 2022-04-08. Review status: criteria provided, single submitter. Criteria: LabCorp Variant Classification Summary - May 2015. Collection method: clinical testing. Allele origin: germline.
Comment: Variant summary: CDH23 c.4391C>T (p.Ala1464Val) results in a non-conservative amino acid change in the encoded protein sequence. Four of five in-silico tools predict a benign effect of the variant on protein function. The variant allele was found at a frequency of 0.0002 in 246942 control chromosomes in the gnomAD database, including 1 homozygote. This frequency is not significantly higher than estimated for a pathogenic variant in CDH23 causing Usher Syndrome (0.0002 vs 0.0032), allowing no conclusion about variant significance. c.4391C>T has been reported in the literature as a non-informative genotype (second allele and/or zygosity not specified) in settings of multigene panel testing in at-least one individual with deafness (example, Shearer_2014). These report(s) do not provide unequivocal conclusions about association of the variant with Usher Syndrome. To our knowledge, no experimental evidence demonstrating an impact on protein function has been reported. Six clinical diagnostic laboratories have submitted clinical-significance assessments for this variant to ClinVar after 2014 without evidence for independent evaluation (VUS, n=5, Likely Benign, n=1). Based on the evidence outlined above, the variant was classified as uncertain significance.

GeneDx
Classification: Likely benign. Last evaluated: 2020-07-16. Review status: criteria provided, single submitter. Criteria: GeneDx Variant Classification Process June 2021. Collection method: clinical testing. Allele origin: germline. Affected: yes.
Comment: In silico analysis supports that this missense variant does not alter protein structure/function; This variant is associated with the following publications: (PMID: 23804846)

Fulgent Genetics
Classification: Uncertain significance for Usher syndrome type 1D; Autosomal recessive nonsyndromic hearing loss 12; Pituitary adenoma 5, multiple types. Last evaluated: 2018-10-31. Review status: criteria provided, single submitter. Criteria: ACMG Guidelines, 2015. Collection method: clinical testing. Allele origin: unknown.

Illumina Laboratory Services, Illumina
Classification: Uncertain significance for Autosomal recessive nonsyndromic hearing loss 12. Last evaluated: 2018-01-12. Review status: criteria provided, single submitter. Criteria: ICSL Variant Classification Criteria 13 December 2019. Collection method: clinical testing. Allele origin: germline.

Illumina Laboratory Services, Illumina
Classification: Uncertain significance for Usher syndrome type 1D. Last evaluated: 2018-01-12. Review status: criteria provided, single submitter. Criteria: ICSL Variant Classification Criteria 13 December 2019. Collection method: clinical testing. Allele origin: germline.

Laboratory for Molecular Medicine, Mass General Brigham Personalized Medicine
Classification: Uncertain significance. Last evaluated: 2017-06-28. Review status: criteria provided, single submitter. Criteria: LMM Criteria. Collection method: clinical testing. Allele origin: germline. Observed: 2 variant alleles.
Comment: Variant classified as Uncertain Significance - Favor Benign. The p.Ala1464Val va riant in CDH23 has been reported in 2 individuals with hearing loss; however in 1 of these individuals had an alternate etiology of the hearing loss identified (Shearer 2013, LMM unpublished data). This variant has also been identified in 0.03% (41/125814) of European chromosomes by the Genome Aggregation Database (gn omAD; dbSNP rs374362883); however, its freque ncy is not high enough to rule out a pathogenic role. The alanine (Ala) at posi tion 1464 is not conserved in mammals or evolutionary distant species, with 1 ma mmal (gibbon) having a valine (Val), supporting that a change at this position c ould be tolerated. Additional computational prediction tools and conservation an alyses do not provide strong support for or against an impact to the protein. In summary, while the clinical significance of the p.Ala1464Val variant is uncerta in, the conservation data suggests that it is more likely to be benign.

PreventionGenetics, part of Exact Sciences
Classification: Uncertain significance for CDH23-related condition. Last evaluated: 2024-09-27. Review status: no assertion criteria provided. Collection method: clinical testing. Allele origin: germline. Not counted in ClinVar's aggregate classification.
Comment: The CDH23 c.4391C>T variant is predicted to result in the amino acid substitution p.Ala1464Val. This variant was reported in an individual with hearing loss along with other potentially causative variants in this and other hearing loss related genes (Data S3, Shearer et al. 2013. PubMed ID: 23804846). This variant is reported in 0.032% of alleles in individuals of European (Non-Finnish) descent in gnomAD. At this time, the clinical significance of this variant is uncertain due to the absence of conclusive functional and genetic evidence.

Natera, Inc.
Classification: Uncertain significance for Usher syndrome type 1. Last evaluated: 2020-04-15. Review status: no assertion criteria provided. Collection method: clinical testing. Allele origin: germline. Not counted in ClinVar's aggregate classification.

Literature cited by the submitters: PubMed 23804846 (cited by 3 submitters).

NM_022124.6(CDH23):c.4391C>T (p.Ala1464Val)

Gene: CDH23 (cadherin related 23; plus strand). Cytogenetic location: 10q22.1.
Variant type: single nucleotide variant.
Coding change: c.4391C>T on transcript NM_022124.6 (MANE Select); coding-DNA position 4391, C replaced by T.
Protein change: p.Ala1464Val; replaces alanine 1464 with valine.
Molecular consequence: missense variant.
Genome position (GRCh38, 1-based): chr10:71,739,675, C>T. VCF-style: chr10-71739675-C-T. GRCh37 (hg19) VCF-style: chr10-73499432-C-T.
Other names: short protein forms A1464V.
Identifiers: ClinVar variation 45947 (VCV000045947.29), dbSNP rs374362883, ClinGen allele CA137429.